The following is an entry in ClinVar:

NM_003072.5(SMARCA4):c.4763C>A (p.Ser1588Tyr)

Gene: SMARCA4 (SWI/SNF related BAF chromatin remodeling complex subunit ATPase 4; plus strand). Cytogenetic location: 19p13.2.
Variant type: single nucleotide variant.
Coding change: c.4763C>A on transcript NM_003072.5 (MANE Select); coding-DNA position 4763, C replaced by A.
Protein change: p.Ser1588Tyr; replaces serine 1588 with tyrosine.
Molecular consequence: missense variant. On other transcripts: non-coding transcript variant (1).
Genome position (GRCh38, 1-based): chr19:11,059,880, C>A. VCF-style: chr19-11059880-C-A. GRCh37 (hg19) VCF-style: chr19-11170556-C-A.
Other names: c.4763C>A, p.Ser1588Tyr (NM_001128844.3); c.4673C>A, p.Ser1558Tyr (NM_001128845.2); c.4670C>A, p.Ser1557Tyr (NM_001128846.2); c.4664C>A, p.Ser1555Tyr (NM_001128847.4, NM_001374457.1); c.4661C>A, p.Ser1554Tyr (NM_001128848.2); c.4859C>A, p.Ser1620Tyr (NM_001128849.3, NM_001387283.1); c.4760C>A, p.Ser1587Tyr (NM_001411150.1); short protein forms S1588Y, S1554Y, S1557Y, S1587Y, S1555Y, S1620Y, S1558Y.
Identifiers: ClinVar variation 1743610 (VCV001743610.3), dbSNP rs373858447, ClinGen allele CA404079904.
Genomic context (GRCh38, chr19:11,059,880, plus strand): 5'-ATGACAGTGAAGGCGAGGAGAGTGAGGAGGAGGAAGAGGGCGAGGAGGAAGGCTCCGAAT[C>A]CGAATGTGAGTCCCGGGGGGGTTCAGGACGCCGGGGTTCACGCTGGCCCGAGAGCCCCCA-3'
Protein context (NP_003063.2, residues 1578-1598): EEEGEEEGSE[Ser1588Tyr]ESRSVKVKIK

ClinVar aggregate classification (germline): Uncertain significance. Review status: criteria provided, multiple submitters, no conflicts (2 of 4 stars). 2 submissions from 2 submitters: Uncertain significance (2). Last evaluated 2025-11-16.

Conditions:
Hereditary cancer-predisposing syndrome. Also called: Hereditary Cancer Syndrome; Neoplastic Syndromes, Hereditary; Tumor predisposition; Hereditary neoplastic syndrome. Identifiers: Orphanet 140162, MedGen C0027672, MeSH D009386, MONDO:0015356.
Rhabdoid tumor predisposition syndrome 2 (RTPS2). Identifiers: Orphanet 231108, Orphanet 69077, MedGen C2750074, MONDO:0013224, OMIM 613325.

Submissions (2):

Labcorp Genetics (formerly Invitae), Labcorp
Classification: Uncertain significance for Rhabdoid tumor predisposition syndrome 2. Last evaluated: 2025-11-16. Review status: criteria provided, single submitter. Criteria: Invitae Variant Classification Sherloc (09022015). Collection method: clinical testing. Allele origin: germline.
Comment: This sequence change replaces serine, which is neutral and polar, with tyrosine, which is neutral and polar, at codon 1620 of the SMARCA4 protein (p.Ser1620Tyr). This variant is not present in population databases (gnomAD no frequency). This variant has not been reported in the literature in individuals affected with SMARCA4-related conditions. ClinVar contains an entry for this variant (Variation ID: 1743610). Invitae Evidence Modeling of protein sequence and biophysical properties (such as structural, functional, and spatial information, amino acid conservation, physicochemical variation, residue mobility, and thermodynamic stability) has been performed for this missense variant. However, the output from this modeling did not meet the statistical confidence thresholds required to predict the impact of this variant on SMARCA4 protein function. In summary, the available evidence is currently insufficient to determine the role of this variant in disease. Therefore, it has been classified as a Variant of Uncertain Significance.

Ambry Genetics
Classification: Uncertain significance for Hereditary cancer-predisposing syndrome. Last evaluated: 2021-04-16. Review status: criteria provided, single submitter. Criteria: Ambry Variant Classification Scheme 2023. Collection method: clinical testing. Allele origin: germline.
Comment: The p.S1620Y variant (also known as c.4859C>A), located in coding exon 33 of the SMARCA4 gene, results from a C to A substitution at nucleotide position 4859. The serine at codon 1620 is replaced by tyrosine, an amino acid with dissimilar properties. This amino acid position is highly conserved in available vertebrate species. In addition, the in silico prediction for this alteration is inconclusive. Missense and in-frame variants in SMARCA4 are known to cause neurodevelopmental disorders; however, such associations with rhabdoid tumor predisposition syndrome including small cell carcinoma of the ovary-hypercalcemic type (SCCOHT) are exceedingly rare (Kosho T et al. Am J Med Genet C Semin Med Genet. 2014 Sep;166C(3):262-75; Jelinic P et al. Nat Genet. 2014 May;46(5):424-6). Based on the supporting evidence, the association of this alteration with Coffin-Siris syndrome is unknown; however, the association of this alteration with rhabdoid tumor predisposition syndrome is unlikely.